The following is an entry in ClinVar:

ClinVar aggregate classification (germline): Likely benign. Review status: criteria provided, multiple submitters, no conflicts (2 of 4 stars). 3 submissions from 3 submitters: Likely benign (3). Last evaluated 2025-07-10.

Conditions:
DMXL2-related disorder. Also called: DMXL2-related condition.

gnomAD v4.1: 6 of 1,613,968 alleles (0.00037%); highest among the groups gnomAD compares: East Asian, 0.011%; no homozygotes.

Submissions (3):

PreventionGenetics, part of Exact Sciences
Classification: Likely benign for DMXL2-related condition. Last evaluated: 2025-07-10. Review status: criteria provided, single submitter. Criteria: ACMG Guidelines, 2015. Collection method: clinical testing. Allele origin: germline.
Comment: This variant is classified as likely benign based on ACMG/AMP sequence variant interpretation guidelines (Richards et al. 2015 PMID: 25741868, with internal and published modifications).

Blueprint Genetics
Classification: Likely benign. Last evaluated: 2024-10-11. Review status: criteria provided, single submitter. Criteria: ACMG Guidelines, 2015. Collection method: clinical testing. Allele origin: germline.

Labcorp Genetics (formerly Invitae), Labcorp
Classification: Likely benign. Last evaluated: 2024-09-27. Review status: criteria provided, single submitter. Criteria: Invitae Variant Classification Sherloc (09022015). Collection method: clinical testing. Allele origin: germline.

NM_001378457.1(DMXL2):c.8835C>T (p.His2945=)

Genes: DMXL2 (Dmx like 2; minus strand), LOC126862131 (MED14-independent group 3 enhancer GRCh37_chr15:51741640-51742839; plus strand). Cytogenetic location: 15q21.2.
Variant type: single nucleotide variant.
Coding change: c.8835C>T on transcript NM_001378457.1 (MANE Select); coding-DNA position 8835, C replaced by T.
Protein change: p.His2945=; no amino-acid change (histidine 2945 retained).
Molecular consequence: synonymous variant. On other transcripts: non-coding transcript variant (2).
Genome position (GRCh38, 1-based): chr15:51,450,261, G>A on the plus strand (C>T on the coding strand, the complement: DMXL2 is on the minus strand). VCF-style: chr15-51450261-G-A. GRCh37 (hg19) VCF-style: chr15-51742458-G-A.
Other names: c.8772C>T (NM_001174116.1); c.8772C>T, p.His2924= (NM_001174116.3); c.6861C>T, p.His2287= (NM_001174117.3); c.8832C>T, p.His2944= (NM_001378458.1); c.8547C>T, p.His2849= (NM_001378459.1); c.6750C>T, p.His2250= (NM_001378460.1); c.8769C>T, p.His2923= (NM_015263.5).
Identifiers: ClinVar variation 1633025 (VCV001633025.10), dbSNP rs770426518, ClinGen allele CA7560884.
Genomic context (GRCh38, chr15:51,450,261, plus strand): 5'-TGAGTCATGGGCCTGGAACGTGTGAATGAGCTGCCTTTGCCTGATGTCAAAAATGCAGAC[G>A]TGTCCTTTCCTACCCCCCGAGATTAGGAGTTGCTGTTTGGGTGCATACTGCAGTACCGTG-3'
Protein context (NP_001365386.1, residues 2935-2955): QLLISGGRKG[His2945=]VCIFDIRQRQ